The following is an entry in ClinVar:

NM_021831.6(AGBL5):c.11G>A (p.Arg4His)

Gene: AGBL5 (AGBL carboxypeptidase 5; plus strand). Cytogenetic location: 2p23.3.
Variant type: single nucleotide variant.
Coding change: c.11G>A on transcript NM_021831.6 (MANE Select); coding-DNA position 11, G replaced by A.
Protein change: p.Arg4His; replaces arginine 4 with histidine.
Molecular consequence: missense variant. On other transcripts: non-coding transcript variant (2).
Genome position (GRCh38, 1-based): chr2:27,052,969, G>A. VCF-style: chr2-27052969-G-A. GRCh37 (hg19) VCF-style: chr2-27275837-G-A.
Other names: c.11G>A, p.Arg4His (NM_001035507.3); short protein forms R4H.
Identifiers: ClinVar variation 4693714 (VCV004693714.2).

ClinVar aggregate classification (germline): Uncertain significance. Review status: criteria provided, multiple submitters, no conflicts (2 of 4 stars). 2 submissions from 2 submitters: Uncertain significance (2). Last evaluated 2025-10-08.

gnomAD v4.1: 18 of 1,606,392 alleles (0.0011%); highest among the groups gnomAD compares: Non-Finnish European, 0.0014%; no homozygotes.

Submissions (2):

Labcorp Genetics (formerly Invitae), Labcorp
Classification: Uncertain significance. Last evaluated: 2025-10-08. Review status: criteria provided, single submitter. Criteria: Invitae Variant Classification Sherloc (09022015). Collection method: clinical testing. Allele origin: germline.
Comment: This sequence change replaces arginine, which is basic and polar, with histidine, which is basic and polar, at codon 4 of the AGBL5 protein (p.Arg4His). This variant is present in population databases (rs754757439, gnomAD 0.004%). This variant has not been reported in the literature in individuals affected with AGBL5-related conditions. An algorithm developed to predict the effect of missense changes on protein structure and function (PolyPhen-2) suggests that this variant is likely to be disruptive. In summary, the available evidence is currently insufficient to determine the role of this variant in disease. Therefore, it has been classified as a Variant of Uncertain Significance.

Blueprint Genetics
Classification: Uncertain significance. Last evaluated: 2022-06-28. Review status: criteria provided, single submitter. Criteria: ACMG Guidelines, 2015. Collection method: clinical testing. Allele origin: germline.